The following is an entry in ClinVar:

NM_001371727.1(GABRB2):c.406A>C (p.Lys136Gln)

Gene: GABRB2 (gamma-aminobutyric acid type A receptor subunit beta2; minus strand). Cytogenetic location: 5q34.
Variant type: single nucleotide variant.
Coding change: c.406A>C on transcript NM_001371727.1 (MANE Select); coding-DNA position 406, A replaced by C.
Protein change: p.Lys136Gln; replaces lysine 136 with glutamine.
Molecular consequence: missense variant.
Genome position (GRCh38, 1-based): chr5:161,459,676, T>G on the plus strand (A>C on the coding strand, the complement: GABRB2 is on the minus strand). VCF-style: chr5-161459676-T-G. GRCh37 (hg19) VCF-style: chr5-160886682-T-G.
Other names: c.406A>C, p.Lys136Gln (NM_000813.3, NM_021911.3); short protein forms K136Q.
Identifiers: ClinVar variation 3370743 (VCV003370743.1).
Genomic context (GRCh38, chr5:161,459,676, plus strand): 5'-CAACAGACCTGAGTCCATAAAGGACGGTGCCATCAGGATGCAGGCGAATCATGCGGTTCT[T>G]AACAGTCACTCCGTGCACAAATGACTTCTTATCGTTCAGGAAATAGGTATCAGGCACCCA-3'
Protein context (NP_001358656.1, residues 126-146): KKSFVHGVTV[Lys136Gln]NRMIRLHPDG

ClinVar aggregate classification (germline): Uncertain significance (1 of 4 stars; one submission).

Submission:

GeneDx
Classification: Uncertain significance. Last evaluated: 2024-03-08. Review status: criteria provided, single submitter. Criteria: GeneDx Variant Classification Process June 2021. Collection method: clinical testing. Allele origin: germline. Affected: yes.
Comment: Not observed at significant frequency in large population cohorts (gnomAD); In silico analysis supports that this missense variant does not alter protein structure/function; Has not been previously published as pathogenic or benign to our knowledge